The following is an entry in ClinVar:

NM_002016.2(FLG):c.1359C>T (p.Ser453=)

Genes: CCDST (cervical cancer associated DHX9 suppressive transcript; plus strand), FLG (filaggrin; minus strand). Cytogenetic location: 1q21.3.
Variant type: single nucleotide variant.
Coding change: c.1359C>T on transcript NM_002016.2 (MANE Select); coding-DNA position 1359, C replaced by T.
Protein change: p.Ser453=; no amino-acid change (serine 453 retained).
Molecular consequence: synonymous variant. On other transcripts: non-coding transcript variant (1).
Genome position (GRCh38, 1-based): chr1:152,313,527, G>A on the plus strand (C>T on the coding strand, the complement: FLG is on the minus strand). VCF-style: chr1-152313527-G-A. GRCh37 (hg19) VCF-style: chr1-152286003-G-A.
Identifiers: ClinVar variation 1189273 (VCV001189273.4), dbSNP rs74129466, ClinGen allele CA1107675.

ClinVar aggregate classification (germline): Benign/Likely benign. Review status: criteria provided, multiple submitters, no conflicts (2 of 4 stars). 3 submissions from 3 submitters: Benign (1); Likely benign (2). Last evaluated 2025-05-05.

Conditions:
FLG-related disorder. Also called: FLG-related disorders; FLG-related condition.

Allele frequency attached by ClinVar (database versions not stated): gnomAD exomes 0.00138 and 0.00324; ExAC 0.00399; gnomAD 0.01154 and 0.01224; ESP Exome Variant Server 0.01169; TOPMed 0.01298; 1000 Genomes Project 30x 0.01546; 1000 Genomes Project 0.01558.
gnomAD v4.1: 3,856 of 1,613,334 alleles (0.24%); highest among the groups gnomAD compares: African/African-American, 4%; 55 homozygotes.

Submissions (3):

PreventionGenetics, part of Exact Sciences
Classification: Benign for FLG-related condition. Last evaluated: 2025-05-05. Review status: criteria provided, single submitter. Criteria: ACMG Guidelines, 2015. Collection method: clinical testing. Allele origin: germline.
Comment: This variant is classified as benign based on ACMG/AMP sequence variant interpretation guidelines (Richards et al. 2015 PMID: 25741868, with internal and published modifications).

GeneDx
Classification: Likely benign. Last evaluated: 2018-07-05. Review status: criteria provided, single submitter. Criteria: GeneDx Variant Classification Process June 2021. Collection method: clinical testing. Allele origin: germline. Affected: yes.

Breakthrough Genomics
Classification: Likely benign. Review status: criteria provided, single submitter. Criteria: ACMG Guidelines, 2015. Collection method: not provided. Allele origin: germline. Inheritance: Autosomal dominant inheritance. Affected: yes.